The following is an entry in ClinVar:

NM_001734.5(C1S):c.762A>T (p.Gly254=)

Gene: C1S (complement C1s; plus strand). Cytogenetic location: 12p13.31.
Variant type: single nucleotide variant.
Coding change: c.762A>T on transcript NM_001734.5 (MANE Select); coding-DNA position 762, A replaced by T.
Protein change: p.Gly254=; no amino-acid change (glycine 254 retained).
Molecular consequence: synonymous variant.
Genome position (GRCh38, 1-based): chr12:7,065,861, A>T. VCF-style: chr12-7065861-A-T. GRCh37 (hg19) VCF-style: chr12-7173165-A-T.
Other names: p.Gly254=; c.261A>T, p.Gly87= (NM_001346850.2); c.762A>T, p.Gly254= (NM_201442.4).
Identifiers: ClinVar variation 722610 (VCV000722610.14), dbSNP rs142481406, ClinGen allele CA6423579.

ClinVar aggregate classification (germline): Benign/Likely benign. Review status: criteria provided, multiple submitters, no conflicts (2 of 4 stars). 4 submissions from 4 submitters: Benign (1); Likely benign (3). Last evaluated 2026-04-06.

Allele frequency attached by ClinVar (database versions not stated): gnomAD exomes 0.00047; ExAC 0.00050; ESP Exome Variant Server 0.00154; 1000 Genomes Project 0.00180; gnomAD 0.00193 and 0.00208; 1000 Genomes Project 30x 0.00219; TOPMed 0.00221.
gnomAD v4.1: 554 of 1,613,378 alleles (0.034%); highest among the groups gnomAD compares: African/African-American, 0.57%; 1 homozygote.

Submissions (4):

Women's Health and Genetics/Laboratory Corporation of America, LabCorp
Classification: Likely benign. Last evaluated: 2026-04-06. Review status: criteria provided, single submitter. Criteria: LabCorp Variant Classification Summary - May 2015. Collection method: clinical testing. Allele origin: germline.

Labcorp Genetics (formerly Invitae), Labcorp
Classification: Benign. Last evaluated: 2025-12-26. Review status: criteria provided, single submitter. Criteria: Invitae Variant Classification Sherloc (09022015). Collection method: clinical testing. Allele origin: germline.

Mayo Clinic Laboratories, Mayo Clinic
Classification: Likely benign. Last evaluated: 2025-09-26. Review status: criteria provided, single submitter. Criteria: ACMG Guidelines, 2015. Collection method: clinical testing. Allele origin: germline. Observed: 2 variant alleles.
Comment: BS1, BP4, BP7

Blueprint Genetics
Classification: Likely benign. Last evaluated: 2024-10-09. Review status: criteria provided, single submitter. Criteria: ACMG Guidelines, 2015. Collection method: clinical testing. Allele origin: germline.